The following is an entry in ClinVar:

NM_018263.6(ASXL2):c.3184A>G (p.Thr1062Ala)

Gene: ASXL2 (ASXL transcriptional regulator 2; minus strand). Cytogenetic location: 2p23.3.
Variant type: single nucleotide variant.
Coding change: c.3184A>G on transcript NM_018263.6 (MANE Select); coding-DNA position 3184, A replaced by G.
Protein change: p.Thr1062Ala; replaces threonine 1062 with alanine.
Molecular consequence: missense variant.
Genome position (GRCh38, 1-based): chr2:25,743,153, T>C on the plus strand (A>G on the coding strand, the complement: ASXL2 is on the minus strand). VCF-style: chr2-25743153-T-C. GRCh37 (hg19) VCF-style: chr2-25966022-T-C.
Other names: c.3010A>G, p.Thr1004Ala (NM_001369346.1); c.2404A>G, p.Thr802Ala (NM_001369347.1); short protein forms T1004A, T1062A, T802A.
Identifiers: ClinVar variation 2506609 (VCV002506609.2), dbSNP rs2149136518, ClinGen allele CA346079444.
Genomic context (GRCh38, chr2:25,743,153, plus strand): 5'-CTGAGAGAAGATTCTGCCTCCGAACCCTCTGAATGAGAGTCTGAAGGATCTGATCTTGGG[T>C]TGCTTTACTTAGTCCTTCGTGGTATTGGTGTGTGTCAATGCTGGAGTCCCTCAGCTCCTT-3'
Protein context (NP_060733.4, residues 1052-1072): HQYHEGLSKA[Thr1062Ala]QDQILQTLIQ

ClinVar aggregate classification (germline): Uncertain significance (1 of 4 stars; one submission).

Allele frequency attached by ClinVar (database versions not stated): gnomAD exomes below 0.00001.
gnomAD v4.1: 1 of 1,614,002 alleles (0.000062%); highest among the groups gnomAD compares: Middle Eastern, 0.016%; no homozygotes.

Submission:

GeneDx
Classification: Uncertain significance. Last evaluated: 2025-04-28. Review status: criteria provided, single submitter. Criteria: GeneDx Variant Classification Process June 2021. Collection method: clinical testing. Allele origin: germline. Affected: yes.
Comment: Not observed at significant frequency in large population cohorts (gnomAD); In silico analysis indicates that this missense variant does not alter protein structure/function; Has not been previously published as pathogenic or benign to our knowledge